The following is an entry in ClinVar:

NM_015419.4(MXRA5):c.808C>G (p.Leu270Val)

Gene: MXRA5 (matrix remodeling associated 5; minus strand). Cytogenetic location: Xp22.33.
Variant type: single nucleotide variant.
Coding change: c.808C>G on transcript NM_015419.4 (MANE Select); coding-DNA position 808, C replaced by G.
Protein change: p.Leu270Val; replaces leucine 270 with valine.
Molecular consequence: missense variant.
Genome position (GRCh38, 1-based): chrX:3,324,877, G>C on the plus strand (C>G on the coding strand, the complement: MXRA5 is on the minus strand). VCF-style: chrX-3324877-G-C. GRCh37 (hg19) VCF-style: chrX-3242918-G-C.
Other names: short protein forms L270V.
Identifiers: ClinVar variation 2659889 (VCV002659889.24), dbSNP rs2518627129, ClinGen allele CA412297110.

ClinVar aggregate classification (germline): Uncertain significance (1 of 4 stars; one submission).

Submission:

CeGaT Center for Human Genetics Tuebingen
Classification: Uncertain significance. Last evaluated: 2022-09-01. Review status: criteria provided, single submitter. Criteria: CeGaT Center For Human Genetics Tuebingen Variant Classification Criteria Version 2. Collection method: clinical testing. Allele origin: germline. Affected: yes. Observed: 1 variant allele.
Comment: MXRA5: PM2, BP4